The following is an entry in ClinVar:

NM_000719.7(CACNA1C):c.3969C>T (p.Ile1323=)

Gene: CACNA1C (calcium voltage-gated channel subunit alpha1 C; plus strand). Cytogenetic location: 12p13.33.
Variant type: single nucleotide variant.
Coding change: c.3969C>T on transcript NM_000719.7 (MANE Select); coding-DNA position 3969, C replaced by T.
Protein change: p.Ile1323=; no amino-acid change (isoleucine 1323 retained).
Molecular consequence: synonymous variant.
Genome position (GRCh38, 1-based): chr12:2,651,663, C>T. VCF-style: chr12-2651663-C-T. GRCh37 (hg19) VCF-style: chr12-2760829-C-T.
Other names: c.4113C>T, p.Ile1371= (NM_001129827.2, NM_199460.4); c.4035C>T, p.Ile1345= (NM_001129829.2); c.3969C>T, p.Ile1323= (NM_001129830.3, NM_001129833.2, NM_001129834.2 and 7 more transcripts); c.4053C>T, p.Ile1351= (NM_001129831.2); c.4029C>T, p.Ile1343= (NM_001129832.2); c.4020C>T, p.Ile1340= (NM_001129836.2); c.3936C>T, p.Ile1312= (NM_001129837.2, NM_001129838.2, NM_001129846.2 and 1 more transcripts); c.3930C>T, p.Ile1310= (NM_001129839.2); and 1 more.
Identifiers: ClinVar variation 93405 (VCV000093405.23), dbSNP rs201345843, ClinGen allele CA221318.

ClinVar aggregate classification (germline): Conflicting classifications of pathogenicity. Review status: criteria provided, conflicting classifications (1 of 4 stars). 7 submissions from 7 submitters: Uncertain significance (2); Benign (1); Likely benign (3). 1 of the submissions does not count toward it. Last evaluated 2026-01-21.

Conditions:
Cardiovascular phenotype. Identifiers: MedGen CN230736.
CACNA1C-related disorder. Also called: CACNA1C-related condition; CACNA1C-related disorders. Identifiers: MedGen CN381092, MONDO:0700321.
Long QT syndrome (LQTS). Identifiers: MedGen C0023976, MeSH D008133, MONDO:0002442. Disease mechanism: loss of function. Inheritance: Various modes of inheritance.

Allele frequency attached by ClinVar (database versions not stated): ExAC 0.00006; gnomAD exomes 0.00006 and 0.00021; gnomAD 0.00007 and 0.00009; TOPMed 0.00007; ESP Exome Variant Server 0.00015.
gnomAD v4.1: 315 of 1,613,842 alleles (0.02%); highest among the groups gnomAD compares: Non-Finnish European, 0.026%; no homozygotes.

Submissions (7):

Labcorp Genetics (formerly Invitae), Labcorp
Classification: Likely benign for Long QT syndrome. Last evaluated: 2026-01-21. Review status: criteria provided, single submitter. Criteria: Invitae Variant Classification Sherloc (09022015). Collection method: clinical testing. Allele origin: germline.

Blueprint Genetics
Classification: Likely benign. Last evaluated: 2024-11-26. Review status: criteria provided, single submitter. Criteria: ACMG Guidelines, 2015. Collection method: clinical testing. Allele origin: germline.

Ambry Genetics
Classification: Likely benign for Cardiovascular phenotype. Last evaluated: 2021-02-25. Review status: criteria provided, single submitter. Criteria: Ambry Variant Classification Scheme 2023. Collection method: clinical testing. Allele origin: germline.

GeneDx
Classification: Uncertain significance. Last evaluated: 2018-01-16. Review status: criteria provided, single submitter. Criteria: GeneDx Variant Classification (06012015). Collection method: clinical testing. Allele origin: germline. Affected: yes.
Comment: The c.3969 C>T variant has not been published as a pathogenic variant, nor has it been reported as a benign variant to our knowledge. The c.3969 C>T variant was not observed with any significant frequency in approximately 6,500 individuals of European and African American ancestry in the NHLBI Exome Sequencing Project, indicating it is not a common benign variant in these populations. The c.3969 C>T variant results in a synonymous amino acid substitution, I1323I, and in silico splice prediction programs are unable to predict whether this nucleotide substitution has an impact on normal gene splicing. Additionally, the majority of variants in the CACNA1C gene are missense changes (Stenson et al., 2014), indicating haploinsufficiency of CACNA1C may not be sufficient to cause disease. Nevertheless, this substitution occurs at a position that is conserved across species. Therefore, based on the currently available information, it is unclear whether this variant is pathogenic or rare benign.

Women's Health and Genetics/Laboratory Corporation of America, LabCorp
Classification: Benign. Last evaluated: 2017-11-06. Review status: criteria provided, single submitter. Criteria: LabCorp Variant Classification Summary - May 2015. Collection method: clinical testing. Allele origin: germline.
Comment: Variant summary: The CACNA1C c.3969C>T (p.Ile1323Ile) variant involves the alteration of a conserved nucleotide, resulting in a synonymous change. One in silico tool predicts a damaging outcome for this variant. 5/5 splice prediction tools predict no significant impact on normal splicing. However, these predictions have yet to be confirmed by functional studies. This variant was found in 15/277196 control chromosomes, predominantly observed in the European (Non-Finnish) subpopulation at a frequency of 0.000118 (15/126706). This frequency is about 12 times the estimated maximal expected allele frequency of a pathogenic CACNA1C variant (0.00001), suggesting this is likely a benign polymorphism found primarily in the populations of European (Non-Finnish) origin. The variant has been reported in the literature, without strong evidence for causality. Multiple clinical diagnostic laboratories/reputable databases classified this variant as uncertain significance, without evidence for independent evaluation. Taken together, this variant is classified as benign.

Eurofins Ntd Llc (ga)
Classification: Uncertain significance. Last evaluated: 2013-10-16. Review status: criteria provided, single submitter. Criteria: EGL Classification Definitions 2015. Collection method: clinical testing. Allele origin: germline. Observed: 1 variant allele, 1 heterozygote.

PreventionGenetics, part of Exact Sciences
Classification: Likely benign for CACNA1C-related condition. Last evaluated: 2019-10-14. Review status: no assertion criteria provided. Collection method: clinical testing. Allele origin: germline. Not counted in ClinVar's aggregate classification.
Comment: This variant is classified as likely benign based on ACMG/AMP sequence variant interpretation guidelines (Richards et al. 2015 PMID: 25741868, with internal and published modifications).

Literature cited by the submitters: PubMed 27231019 (cited by Women's Health and Genetics/Laboratory Corporation of America, LabCorp).